The following is an entry in ClinVar:

NM_001069.3(TUBB2A):c.712del (p.Thr238fs)

Gene: TUBB2A (tubulin beta 2A class IIa; minus strand). Cytogenetic location: 6p25.2.
Variant type: Deletion.
Coding change: c.712del on transcript NM_001069.3 (MANE Select); coding-DNA position 712, one base deleted (A; older notation c.712delA).
Protein change: p.Thr238fs; shifts the reading frame from threonine 238.
Molecular consequence: frameshift variant.
Genome position (GRCh38, 1-based): chr6:3,154,489, T deleted on the plus strand (A on the coding strand, the reverse complement: TUBB2A is on the minus strand). VCF-style (leftmost placement, unchanged base first): chr6-3154488-GT-G. GRCh37 (hg19) VCF-style: chr6-3154722-GT-G.
Other names: c.457del, p.Thr153fs (NM_001310315.2); short protein forms T238fs, T153fs.
Identifiers: ClinVar variation 1399196 (VCV001399196.6), dbSNP rs1762598770, ClinGen allele CA1606544278.

ClinVar aggregate classification (germline): Uncertain significance (1 of 4 stars; one submission).

Allele frequency attached by ClinVar (database versions not stated): TOPMed below 0.00001.

Submission:

Labcorp Genetics (formerly Invitae), Labcorp
Classification: Uncertain significance. Last evaluated: 2022-07-05. Review status: criteria provided, single submitter. Criteria: Invitae Variant Classification Sherloc (09022015). Collection method: clinical testing. Allele origin: germline.
Comment: In summary, the available evidence is currently insufficient to determine the role of this variant in disease. Therefore, it has been classified as a Variant of Uncertain Significance. Experimental studies and prediction algorithms are not available or were not evaluated, and the functional significance of this variant is currently unknown. ClinVar contains an entry for this variant (Variation ID: 1399196). This variant has not been reported in the literature in individuals affected with TUBB2A-related conditions. This variant is not present in population databases (gnomAD no frequency). This sequence change creates a premature translational stop signal (p.Thr238Profs*9) in the TUBB2A gene. While this is not anticipated to result in nonsense mediated decay, it is expected to disrupt the last 208 amino acid(s) of the TUBB2A protein.